The following is an entry in ClinVar:

NM_004523.4(KIF11):c.1A>G (p.Met1Val)

Gene: KIF11 (kinesin family member 11; plus strand). Cytogenetic location: 10q23.33.
Variant type: single nucleotide variant.
Coding change: c.1A>G on transcript NM_004523.4 (MANE Select); coding-DNA position 1, A replaced by G.
Protein change: p.Met1Val; changes the start codon (methionine 1).
Molecular consequence: missense variant, initiator codon variant.
Genome position (GRCh38, 1-based): chr10:92,593,376, A>G. VCF-style: chr10-92593376-A-G. GRCh37 (hg19) VCF-style: chr10-94353133-A-G.
Other names: short protein forms M1V.
Identifiers: ClinVar variation 977833 (VCV000977833.11), dbSNP rs2492454012, ClinGen allele CA377585489.

ClinVar aggregate classification (germline): Pathogenic. Review status: criteria provided, single submitter (1 of 4 stars). 2 submissions from 2 submitters: Pathogenic (1). 1 of the submissions does not count toward it. Last evaluated 2023-07-14.

Conditions:
Microcephaly with or without chorioretinopathy, lymphedema, or impaired intellectual development. Also called: MICROCEPHALY AND CHORIORETINOPATHY WITH OR WITHOUT MENTAL RETARDATION, AUTOSOMAL DOMINANT; MICROCEPHALY, LYMPHEDEMA, CHORIORETINAL DYSPLASIA SYNDROME; Microcephaly lymphedema chorioretinal dysplasia; Microcephaly with or without chorioretinopathy, lymphedema, or mental retardation; Microcephaly with or without chorioretinopathy, lymphedema, or intellectual disability. Identifiers: Orphanet 2526, MedGen C1835265, MONDO:0007918, OMIM 152950.

Submissions (2):

Labcorp Genetics (formerly Invitae), Labcorp
Classification: Pathogenic. Last evaluated: 2023-07-14. Review status: criteria provided, single submitter. Criteria: Invitae Variant Classification Sherloc (09022015). Collection method: clinical testing. Allele origin: germline.
Comment: For these reasons, this variant has been classified as Pathogenic. This variant disrupts a region of the KIF11 protein in which other variant(s) (p.Arg26Gly) have been determined to be pathogenic (Invitae). This suggests that this is a clinically significant region of the protein, and that variants that disrupt it are likely to be disease-causing. ClinVar contains an entry for this variant (Variation ID: 977833). Disruption of the initiator codon has been observed in individual(s) with microcephaly with or without chorioretinopathy, lymphedema, or mental retardation (PMID: 25115524, 26566857). In at least one individual the variant was observed to be de novo. This variant is not present in population databases (gnomAD no frequency). This sequence change affects the initiator methionine of the KIF11 mRNA. The next in-frame methionine is located at codon 70.

Service de Génétique Moléculaire, Hôpital Robert Debré
Classification: Likely pathogenic for Microcephaly with or without chorioretinopathy, lymphedema, or impaired intellectual development. Review status: no assertion criteria provided. Collection method: clinical testing. Allele origin: unknown. Affected: yes. Not counted in ClinVar's aggregate classification.

Literature cited by the submitters: PubMed 25115524 (cited by Labcorp Genetics (formerly Invitae), Labcorp); PubMed 26566857 (cited by Labcorp Genetics (formerly Invitae), Labcorp).